The following is an entry in ClinVar:

ClinVar aggregate classification (germline): Uncertain significance. Review status: criteria provided, multiple submitters, no conflicts (2 of 4 stars). 3 submissions from 3 submitters: Uncertain significance (3). Last evaluated 2026-01-21.

Conditions:
Charcot-Marie-Tooth disease, axonal, type 2EE. Also called: CHARCOT-MARIE-TOOTH NEUROPATHY, TYPE 2EE. Identifiers: MedGen C5193076, MONDO:0032728, OMIM 618400.
Charcot-Marie-Tooth disease, dominant intermediate G. Identifiers: MedGen C4693509, MONDO:0036484, OMIM 617882.
Charcot-Marie-Tooth disease type 2E (CMT2E). Also called: CHARCOT-MARIE-TOOTH DISEASE, AXONAL, TYPE 2E; CHARCOT-MARIE-TOOTH NEUROPATHY, TYPE 2E. Identifiers: Orphanet 99939, MedGen C1843225, MONDO:0011894, OMIM 607684.

Submissions (3):

MVZ Martinsried, Medicover Genetics
Classification: Uncertain significance for Charcot-Marie-Tooth disease, dominant intermediate G. Last evaluated: 2026-01-21. Review status: criteria provided, single submitter. Criteria: ClinGen Variant Curation SOP V3.2 + Classification Guidance July2025. Collection method: clinical testing. Allele origin: unknown. Affected: yes. Observed: 1 heterozygote.

Labcorp Genetics (formerly Invitae), Labcorp
Classification: Uncertain significance for Charcot-Marie-Tooth disease type 2E. Last evaluated: 2023-05-05. Review status: criteria provided, single submitter. Criteria: Invitae Variant Classification Sherloc (09022015). Collection method: clinical testing. Allele origin: germline.
Comment: This variant has not been reported in the literature in individuals affected with NEFL-related conditions. This variant is not present in population databases (gnomAD no frequency). This sequence change replaces leucine, which is neutral and non-polar, with histidine, which is basic and polar, at codon 94 of the NEFL protein (p.Leu94His). In summary, the available evidence is currently insufficient to determine the role of this variant in disease. Therefore, it has been classified as a Variant of Uncertain Significance. This variant disrupts the p.Leu94 amino acid residue in NEFL. Other variant(s) that disrupt this residue have been determined to be pathogenic (PMID: 17620486). This suggests that this residue is clinically significant, and that variants that disrupt this residue are likely to be disease-causing. Advanced modeling of protein sequence and biophysical properties (such as structural, functional, and spatial information, amino acid conservation, physicochemical variation, residue mobility, and thermodynamic stability) performed at Invitae indicates that this missense variant is expected to disrupt NEFL protein function. ClinVar contains an entry for this variant (Variation ID: 1709102).

MGZ Medical Genetics Center
Classification: Uncertain significance for Charcot-Marie-Tooth disease, axonal, type 2EE. Last evaluated: 2022-05-05. Review status: criteria provided, single submitter. Criteria: ACMG Guidelines, 2015. Collection method: clinical testing. Allele origin: germline. Affected: yes. Observed: 1 variant allele.
Comment: ACMG criteria applied: PM2_SUP, PM5_SUP, PP3

Literature cited by the submitters: PubMed 17620486 (cited by Labcorp Genetics (formerly Invitae), Labcorp).

NM_006158.5(NEFL):c.281T>A (p.Leu94His)

Gene: NEFL (neurofilament light chain; minus strand). Cytogenetic location: 8p21.2.
Variant type: single nucleotide variant.
Coding change: c.281T>A on transcript NM_006158.5 (MANE Select); coding-DNA position 281, T replaced by A.
Protein change: p.Leu94His; replaces leucine 94 with histidine.
Molecular consequence: missense variant.
Genome position (GRCh38, 1-based): chr8:24,956,235, A>T on the plus strand (T>A on the coding strand, the complement: NEFL is on the minus strand). VCF-style: chr8-24956235-A-T. GRCh37 (hg19) VCF-style: chr8-24813749-A-T.
Other names: short protein forms L94H.
Identifiers: ClinVar variation 1709102 (VCV001709102.6), dbSNP rs62636505, ClinGen allele CA370622930.